The following is an entry in ClinVar:

ClinVar aggregate classification (germline): Uncertain significance (1 of 4 stars; one submission).

gnomAD v4.1: 1 of 1,610,152 alleles (0.000062%); no homozygotes.

Submission:

Labcorp Genetics (formerly Invitae), Labcorp
Classification: Uncertain significance. Last evaluated: 2021-06-07. Review status: criteria provided, single submitter. Criteria: Invitae Variant Classification Sherloc (09022015). Collection method: clinical testing. Allele origin: germline.
Comment: In summary, the available evidence is currently insufficient to determine the role of this variant in disease. Therefore, it has been classified as a Variant of Uncertain Significance. Experimental studies and prediction algorithms are not available or were not evaluated, and the functional significance of this variant is currently unknown. This variant has not been reported in the literature in individuals with KIZ-related conditions. This variant is not present in population databases (ExAC no frequency). This sequence change replaces valine with methionine at codon 138 of the KIZ protein (p.Val138Met).

NM_018474.6(KIZ):c.412G>A (p.Val138Met)

Gene: KIZ (kizuna centrosomal protein; plus strand). Cytogenetic location: 20p11.23.
Variant type: single nucleotide variant.
Coding change: c.412G>A on transcript NM_018474.6 (MANE Select); coding-DNA position 412, G replaced by A.
Protein change: p.Val138Met; replaces valine 138 with methionine.
Molecular consequence: missense variant.
Genome position (GRCh38, 1-based): chr20:21,161,877, G>A. VCF-style: chr20-21161877-G-A. GRCh37 (hg19) VCF-style: chr20-21142518-G-A.
Other names: c.103G>A, p.Val35Met (NM_001163022.3, NM_001352435.2); c.13G>A, p.Val5Met (NM_001163023.3); c.265G>A, p.Val89Met (NM_001276389.2); c.412G>A, p.Val138Met (NM_001352434.2); c.70G>A, p.Val24Met (NM_001352436.2); short protein forms V138M, V5M, V24M, V89M, V35M.
Identifiers: ClinVar variation 1525798 (VCV001525798.6), dbSNP rs2033676120, ClinGen allele CA408491092.